The following is an entry in ClinVar:

ClinVar aggregate classification (germline): Uncertain significance. Review status: criteria provided, multiple submitters, no conflicts (2 of 4 stars). 2 submissions from 2 submitters: Uncertain significance (2). Last evaluated 2023-07-28.

Conditions:
Hypertrophic cardiomyopathy 12. Identifiers: MedGen C2677491, MONDO:0012804, OMIM 612124.
Dilated cardiomyopathy 1M (CMD1M). Identifiers: Orphanet 154, MedGen C1843808, MONDO:0011840, OMIM 607482.
Cardiovascular phenotype. Identifiers: MedGen CN230736.

Submissions (2):

Ambry Genetics
Classification: Uncertain significance for Cardiovascular phenotype. Last evaluated: 2023-07-28. Review status: criteria provided, single submitter. Criteria: Ambry Variant Classification Scheme 2023. Collection method: clinical testing. Allele origin: germline.
Comment: The p.C147R variant (also known as c.439T>C), located in coding exon 4 of the CSRP3 gene, results from a T to C substitution at nucleotide position 439. The cysteine at codon 147 is replaced by arginine, an amino acid with highly dissimilar properties. This amino acid position is highly conserved in available vertebrate species. In addition, this alteration is predicted to be deleterious by in silico analysis. Since supporting evidence is limited at this time, the clinical significance of this alteration remains unclear.

Labcorp Genetics (formerly Invitae), Labcorp
Classification: Uncertain significance for Hypertrophic cardiomyopathy 12; Dilated cardiomyopathy 1M. Last evaluated: 2022-03-02. Review status: criteria provided, single submitter. Criteria: Invitae Variant Classification Sherloc (09022015). Collection method: clinical testing. Allele origin: germline.
Comment: In summary, the available evidence is currently insufficient to determine the role of this variant in disease. Therefore, it has been classified as a Variant of Uncertain Significance. Algorithms developed to predict the effect of missense changes on protein structure and function are either unavailable or do not agree on the potential impact of this missense change (SIFT: "Deleterious"; PolyPhen-2: "Probably Damaging"; Align-GVGD: "Class C0"). This variant has not been reported in the literature in individuals affected with CSRP3-related conditions. This variant is not present in population databases (gnomAD no frequency). This sequence change replaces cysteine, which is neutral and slightly polar, with arginine, which is basic and polar, at codon 147 of the CSRP3 protein (p.Cys147Arg).

NM_003476.5(CSRP3):c.439T>C (p.Cys147Arg)

Gene: CSRP3 (cysteine and glycine rich protein 3; minus strand). Cytogenetic location: 11p15.1.
Variant type: single nucleotide variant.
Coding change: c.439T>C on transcript NM_003476.5 (MANE Select); coding-DNA position 439, T replaced by C.
Protein change: p.Cys147Arg; replaces cysteine 147 with arginine.
Molecular consequence: missense variant. On other transcripts: synonymous variant (1).
Genome position (GRCh38, 1-based): chr11:19,185,021, A>G on the plus strand (T>C on the coding strand, the complement: CSRP3 is on the minus strand). VCF-style: chr11-19185021-A-G. GRCh37 (hg19) VCF-style: chr11-19206568-A-G.
Other names: c.439T>C (NM_003476.3); c.270T>C, p.Ala90= (NM_001369404.1); short protein forms C147R.
Identifiers: ClinVar variation 1519262 (VCV001519262.7), dbSNP rs2133506925, ClinGen allele CA379887757.